The following is an entry in ClinVar:

NM_001283009.2(RTEL1):c.2960G>C (p.Arg987Thr)

Genes: RTEL1 (regulator of telomere elongation helicase 1; plus strand), RTEL1-TNFRSF6B (RTEL1-TNFRSF6B readthrough (NMD candidate); plus strand). Cytogenetic location: 20q13.33.
Variant type: single nucleotide variant.
Coding change: c.2960G>C on transcript NM_001283009.2 (MANE Select); coding-DNA position 2960, G replaced by C.
Protein change: p.Arg987Thr; replaces arginine 987 with threonine.
Molecular consequence: missense variant. On other transcripts: non-coding transcript variant (1).
Genome position (GRCh38, 1-based): chr20:63,693,251, G>C. VCF-style: chr20-63693251-G-C. GRCh37 (hg19) VCF-style: chr20-62324604-G-C.
Other names: c.2291G>C, p.Arg764Thr (NM_001283010.1); c.2960G>C, p.Arg987Thr (NM_016434.4); c.3032G>C, p.Arg1011Thr (NM_032957.5); short protein forms R1011T, R764T, R987T.
Identifiers: ClinVar variation 4827706 (VCV004827706.2).

ClinVar aggregate classification (germline): Uncertain significance. Review status: criteria provided, multiple submitters, no conflicts (2 of 4 stars). 2 submissions from 2 submitters: Uncertain significance (2). Last evaluated 2026-02-28.

Conditions:
Inborn genetic diseases. Identifiers: MedGen C0950123, MeSH D030342.

gnomAD v4.1: 3 of 1,611,966 alleles (0.00019%); highest among the groups gnomAD compares: South Asian, 0.0022%; no homozygotes.

Submissions (2):

Ambry Genetics
Classification: Uncertain significance for Inborn genetic diseases. Last evaluated: 2026-02-28. Review status: criteria provided, single submitter. Criteria: Ambry Variant Classification Scheme 2023. Collection method: clinical testing. Allele origin: germline.
Comment: The p.R987T variant (also known as c.2960G>C), located in coding exon 29 of the RTEL1 gene, results from a G to C substitution at nucleotide position 2960. The arginine at codon 987 is replaced by threonine, an amino acid with similar properties. This amino acid position is conserved. In addition, this alteration is predicted to be tolerated by in silico analysis. Based on the available evidence, the clinical significance of this variant remains unclear.

Blueprint Genetics
Classification: Uncertain significance. Last evaluated: 2023-06-02. Review status: criteria provided, single submitter. Criteria: ACMG Guidelines, 2015. Collection method: clinical testing. Allele origin: germline.